The following is an entry in ClinVar:

GRCh38/hg38 Xq28(chrX:155785125-155806648)x1

Variant type: copy number loss.
Change: copy number 1 of chrX:155,785,125-155,806,648 (21.5 kb, GRCh38 coordinates, 1-based), cytogenetic band Xq28.
Identifiers: ClinVar variation 145123 (VCV000145123.1).

ClinVar aggregate classification (germline): Benign/Likely benign (0 of 4 stars; one submission).

Submission:

GeneDx
Classification: Benign/Likely benign. Last evaluated: 2011-04-30. Review status: no assertion criteria provided. Collection method: clinical testing. Allele origin: not provided. Affected: yes. Observed: 4 variant alleles. Clinical features observed: Developmental delay AND/OR other significant developmental or morphological phenotypes.
Comment: Likely benign (1), Benign (3)